The following is an entry in ClinVar:

NM_000079.4(CHRNA1):c.655C>T (p.Leu219=)

Gene: CHRNA1 (cholinergic receptor nicotinic alpha 1 subunit; minus strand). Cytogenetic location: 2q31.1.
Variant type: single nucleotide variant.
Coding change: c.655C>T on transcript NM_000079.4 (MANE Select); coding-DNA position 655, C replaced by T.
Protein change: p.Leu219=; no amino-acid change (leucine 219 retained).
Molecular consequence: synonymous variant.
Genome position (GRCh38, 1-based): chr2:174,753,626, G>A on the plus strand (C>T on the coding strand, the complement: CHRNA1 is on the minus strand). VCF-style: chr2-174753626-G-A. GRCh37 (hg19) VCF-style: chr2-175618354-G-A.
Other names: p.Leu219=; c.730C>T, p.Leu244= (NM_001039523.3).
Identifiers: ClinVar variation 198039 (VCV000198039.46), dbSNP rs150638770, ClinGen allele CA246525.

ClinVar aggregate classification (germline): Conflicting classifications of pathogenicity. Review status: criteria provided, conflicting classifications (1 of 4 stars). 9 submissions from 8 submitters: Uncertain significance (1); Benign (2); Likely benign (6). Last evaluated 2026-02-01.

Conditions:
Congenital myasthenic syndrome (CMS). Also called: Congenital Myasthenic Syndromes. Identifiers: Orphanet 590, MedGen C0751882, MeSH D020294, MONDO:0018940.
Lethal multiple pterygium syndrome (LMPS). Identifiers: Orphanet 33108, MedGen C1854678, MONDO:0009668, OMIM 253290.

Allele frequency attached by ClinVar (database versions not stated): 1000 Genomes Project 30x 0.00062; 1000 Genomes Project 0.00080; gnomAD 0.00210 and 0.00220; TOPMed 0.00212; ESP Exome Variant Server 0.00261; ExAC 0.00276.
gnomAD v4.1: 5,010 of 1,614,148 alleles (0.31%); highest among the groups gnomAD compares: Non-Finnish European, 0.38%; 7 homozygotes.

Submissions (9):

Labcorp Genetics (formerly Invitae), Labcorp
Classification: Benign for Lethal multiple pterygium syndrome. Last evaluated: 2026-02-01. Review status: criteria provided, single submitter. Criteria: Invitae Variant Classification Sherloc (09022015). Collection method: clinical testing. Allele origin: germline.

CeGaT Center for Human Genetics Tuebingen
Classification: Likely benign. Last evaluated: 2026-01-01. Review status: criteria provided, single submitter. Criteria: CeGaT Center For Human Genetics Tuebingen Variant Classification Criteria Version 2. Collection method: clinical testing. Allele origin: germline. Affected: yes. Observed: 4 variant alleles.
Comment: CHRNA1: BP4, BS2

Mayo Clinic Laboratories, Mayo Clinic
Classification: Benign. Last evaluated: 2025-05-15. Review status: criteria provided, single submitter. Criteria: ACMG Guidelines, 2015. Collection method: clinical testing. Allele origin: germline. Observed: 2 variant alleles.
Comment: BS1, BS2, BP4

Blueprint Genetics
Classification: Likely benign. Last evaluated: 2024-11-20. Review status: criteria provided, single submitter. Criteria: ACMG Guidelines, 2015. Collection method: clinical testing. Allele origin: germline.

Illumina Laboratory Services, Illumina
Classification: Likely benign for Congenital myasthenic syndrome. Last evaluated: 2018-01-13. Review status: criteria provided, single submitter. Criteria: ICSL Variant Classification Criteria 13 December 2019. Collection method: clinical testing. Allele origin: germline.
Comment: This variant was observed in the ICSL laboratory as part of a predisposition screen in an ostensibly healthy population. It had not been previously curated by ICSL or reported in the Human Gene Mutation Database (HGMD: prior to June 1st, 2018), and was therefore a candidate for classification through an automated scoring system. Utilizing variant allele frequency, disease prevalence and penetrance estimates, and inheritance mode, an automated score was calculated to assess if this variant is too frequent to cause the disease. Based on the score and internal cut-off values, a variant classified as likely benign is not then subjected to further curation. The score for this variant resulted in a classification of likely benign for this disease.

Illumina Laboratory Services, Illumina
Classification: Likely benign for Lethal multiple pterygium syndrome. Last evaluated: 2018-01-13. Review status: criteria provided, single submitter. Criteria: ICSL Variant Classification Criteria 13 December 2019. Collection method: clinical testing. Allele origin: germline.
Comment: the same text as in the submission from Illumina Laboratory Services, Illumina above.

Athena Diagnostics
Classification: Likely benign. Last evaluated: 2017-03-24. Review status: criteria provided, single submitter. Criteria: Athena Diagnostics Criteria. Collection method: clinical testing. Allele origin: germline.

Eurofins Ntd Llc (ga)
Classification: Uncertain significance. Last evaluated: 2014-12-17. Review status: criteria provided, single submitter. Criteria: EGL Classification Definitions 2015. Collection method: clinical testing. Allele origin: germline. Observed: 2 variant alleles, 2 heterozygotes.

PreventionGenetics, part of Exact Sciences
Classification: Likely benign. Review status: criteria provided, single submitter. Criteria: ACMG Guidelines, 2015. Collection method: clinical testing. Allele origin: germline.